The following is an entry in ClinVar:

NM_000321.3(RB1):c.2403del (p.Asn803fs)

Gene: RB1 (RB transcriptional corepressor 1; plus strand). Cytogenetic location: 13q14.2.
Variant type: Deletion.
Coding change: c.2403del on transcript NM_000321.3 (MANE Select); coding-DNA position 2403, one base deleted (A; older notation c.2403delA).
Protein change: p.Asn803fs; shifts the reading frame from asparagine 803.
Molecular consequence: frameshift variant.
Genome position (GRCh38, 1-based): chr13:48,465,282, A deleted. VCF-style (leftmost placement, unchanged base first): chr13-48465281-GA-G. GRCh37 (hg19) VCF-style: chr13-49039417-GA-G.
Other names: c.2403delA, p.Asn803Thrfs (NM_000321.2, NM_001407165.1); short protein forms N803fs.
Identifiers: ClinVar variation 2444890 (VCV002444890.1), dbSNP rs2542375917, ClinGen allele CA2580087698.

ClinVar aggregate classification (germline): Uncertain significance (1 of 4 stars; one submission).

Conditions:
Retinoblastoma (RB1). Also called: RETINOBLASTOMA, SOMATIC. Identifiers: Orphanet 790, MedGen C0035335, MeSH D012175, MONDO:0008380, OMIM 180200, HP:0009919. Disease mechanism: loss of function. Inheritance: Both sporadic and heritable forms are tested..

Submission:

St. Jude Molecular Pathology, St. Jude Children's Research Hospital
Classification: Uncertain significance for Retinoblastoma. Last evaluated: 2022-10-25. Review status: criteria provided, single submitter. Criteria: St. Jude Assertion Criteria 2020. Collection method: clinical testing. Allele origin: germline. Affected: yes.
Comment: The RB1 c.2403del (p.Asn803ThrfsTer7) change causes a frameshift and the creation of a premature stop codon. This change is predicted to cause protein truncation of absence of protein due to nonsense mediated decay. It has been reported in individuals with a personal and/or family history of retinoblastoma (internal data). It is absent in gnomAD v2.1.1. In summary, this variant meets criteria to be classified as pathogenic.